The following is an entry in ClinVar:

NM_000059.4(BRCA2):c.78A>G (p.Pro26=)

Gene: BRCA2 (BRCA2 DNA repair associated; plus strand). Cytogenetic location: 13q13.1.
Variant type: single nucleotide variant.
Coding change: c.78A>G on transcript NM_000059.4 (MANE Select); coding-DNA position 78, A replaced by G.
Protein change: p.Pro26=; no amino-acid change (proline 26 retained).
Molecular consequence: synonymous variant.
Genome position (GRCh38, 1-based): chr13:32,319,087, A>G. VCF-style: chr13-32319087-A-G. GRCh37 (hg19) VCF-style: chr13-32893224-A-G.
Identifiers: ClinVar variation 415641 (VCV000415641.27), dbSNP rs772146565, ClinGen allele CA6940321.
Genomic context (GRCh38, chr13:32,319,087, plus strand): 5'-AATTTGTCTGTCACTGGTTAAAACTAAGGTGGGATTTTTTTTTTAAATAGATTTAGGACC[A>G]ATAAGTCTTAATTGGTTTGAAGAACTTTCTTCAGAAGCTCCACCCTATAATTCTGAACCT-3'
Protein context (NP_000050.3, residues 16-36): KTRCNKADLG[Pro26=]ISLNWFEELS

ClinVar aggregate classification (germline): Likely benign. Review status: reviewed by expert panel (3 of 4 stars). 8 submissions from 8 submitters: Likely benign (1). 7 of the submissions do not count toward it. Last evaluated 2017-06-29.

Conditions:
BRCA2-related cancer predisposition. Identifiers: MedGen CN377758, MONDO:0700269.
Hereditary cancer-predisposing syndrome. Also called: Tumor predisposition; Neoplastic Syndromes, Hereditary; Hereditary Cancer Syndrome; Hereditary neoplastic syndrome. Identifiers: Orphanet 140162, MedGen C0027672, MeSH D009386, MONDO:0015356.
Hereditary breast ovarian cancer syndrome. Also called: Hereditary breast and ovarian cancer; Hereditary breast and ovarian cancer syndrome (HBOC); Hereditary breast and/or ovarian cancer syndrome; Breast and ovarian cancer; Hereditary breast and ovarian cancer syndrome; BRCA1- and BRCA2-Associated Hereditary Breast and Ovarian Cancer. Identifiers: Orphanet 145, MedGen C0677776, MeSH D061325, MONDO:0003582. Disease mechanism: loss of function.
Breast-ovarian cancer, familial, susceptibility to, 2 (BROVCA2). Also called: BRCA2 Hereditary Breast and Ovarian Cancer. Identifiers: Orphanet 145, MedGen C2675520, MONDO:0012933, OMIM 612555. Disease mechanism: loss of function.

Allele frequency attached by ClinVar (database versions not stated): gnomAD exomes below 0.00001 and 0.00001; TOPMed 0.00002; ExAC 0.00003.
gnomAD v4.1: 3 of 1,612,712 alleles (0.00019%); highest among the groups gnomAD compares: Non-Finnish European, 0.00025%; no homozygotes.

Submissions (8):

Evidence-based Network for the Interpretation of Germline Mutant Alleles (ENIGMA)
Classification: Likely benign for Breast-ovarian cancer, familial, susceptibility to, 2. Last evaluated: 2017-06-29. Review status: reviewed by expert panel. Criteria: ENIGMA BRCA1/2 Classification Criteria (2017-06-29). Collection method: curation. Allele origin: germline.
Comment: Synonymous substitution variant, with low bioinformatic likelihood to result in a splicing aberration (Splicing prior probability 0.02).

Labcorp Genetics (formerly Invitae), Labcorp
Classification: Likely benign for Hereditary breast ovarian cancer syndrome. Last evaluated: 2026-01-26. Review status: criteria provided, single submitter. Criteria: Invitae Variant Classification Sherloc (09022015). Collection method: clinical testing. Allele origin: germline. Not counted in ClinVar's aggregate classification.

Department of Pathology and Laboratory Medicine, Sinai Health System
Classification: Likely benign for BRCA2-related cancer predisposition. Last evaluated: 2024-12-02. Review status: criteria provided, single submitter. Criteria: ACMG Guidelines, 2015. Collection method: clinical testing. Allele origin: germline. Not counted in ClinVar's aggregate classification.

Ambry Genetics
Classification: Likely benign for Hereditary cancer-predisposing syndrome. Last evaluated: 2024-05-07. Review status: criteria provided, single submitter. Criteria: Ambry Variant Classification Scheme 2023. Collection method: clinical testing. Allele origin: germline. Not counted in ClinVar's aggregate classification.

All of Us Research Program, National Institutes of Health
Classification: Likely benign for Breast-ovarian cancer, familial, susceptibility to, 2. Last evaluated: 2023-03-09. Review status: criteria provided, single submitter. Criteria: ACMG Guidelines, 2015. Collection method: clinical testing. Allele origin: germline. Inheritance: Autosomal dominant inheritance. Observed: 1 variant allele, 1 heterozygote. Not counted in ClinVar's aggregate classification.
Comment: This study involves interpretation of variants in research participants for the purpose of population health screening. Participant phenotype was not available at the time of variant classification. Additional details can be found in publication PMID: 35346344, PMCID: PMC8962531

GeneDx
Classification: Likely benign. Last evaluated: 2019-07-25. Review status: criteria provided, single submitter. Criteria: GeneDx Variant Classification Process June 2021. Collection method: clinical testing. Allele origin: germline. Affected: yes. Not counted in ClinVar's aggregate classification.
Comment: This variant is associated with the following publications: (PMID: 28351343, 18006916, 15059511, 30287823)

Color Diagnostics, LLC DBA Color Health
Classification: Likely benign for Hereditary cancer-predisposing syndrome. Last evaluated: 2018-07-27. Review status: criteria provided, single submitter. Criteria: ACMG Guidelines, 2015. Collection method: clinical testing. Allele origin: germline. Not counted in ClinVar's aggregate classification.

Counsyl
Classification: Likely benign for Breast-ovarian cancer, familial, susceptibility to, 2. Last evaluated: 2018-03-12. Review status: no assertion criteria provided. Collection method: clinical testing. Allele origin: unknown. Not counted in ClinVar's aggregate classification.

Literature cited by the submitters: PubMed 28351343 (cited by Department of Pathology and Laboratory Medicine, Sinai Health System and Counsyl); PubMed 18006916 (cited by Department of Pathology and Laboratory Medicine, Sinai Health System and Counsyl); PubMed 15059511 (cited by Counsyl).